The following is an entry in ClinVar:

ClinVar aggregate classification (germline): Pathogenic. Review status: reviewed by expert panel (3 of 4 stars). 2 submissions from 2 submitters: Pathogenic (1). 1 of the submissions does not count toward it. Last evaluated 2023-08-04.

Conditions:
Hereditary cancer-predisposing syndrome. Also called: Neoplastic Syndromes, Hereditary; Tumor predisposition; Hereditary Cancer Syndrome; Hereditary neoplastic syndrome. Identifiers: Orphanet 140162, MedGen C0027672, MeSH D009386, MONDO:0015356.
CDH1-related diffuse gastric and lobular breast cancer syndrome. Also called: CDH1-related diffuse gastric and lobular breast cancer. Identifiers: MedGen CN311521, MONDO:0100488.

Submissions (2):

Clingen Gastric Cancer Variant Curation Expert Panel
Classification: Pathogenic for CDH1-related diffuse gastric and lobular breast cancer syndrome. Last evaluated: 2023-08-04. Review status: reviewed by expert panel. Criteria: ClinGen CDH1 ACMG Specifications V3.1. Collection method: curation. Allele origin: germline. Inheritance: Autosomal dominant inheritance.
Comment: The c.594_595insT p.(Thr199Tyrfs*10) variant is predicted to result in a premature stop codon that leads to nonsense mediate decay (PVS1 and PM5_supporting). The variant is absent in the gnomAD cohort (PM2_supporting). Therefore, this variant meets criteria to be classified as pathogenic based on the ACMG/AMP criteria applied as specified by the CDH1 Variant Curation Expert Panel (CDH1 VCEP specifications version 3.1): PVS1, PM2_supporting, PM5_supporting.

Ambry Genetics
Classification: Pathogenic for Hereditary cancer-predisposing syndrome. Last evaluated: 2016-08-29. Review status: criteria provided, single submitter. Criteria: Ambry Variant Classification Scheme 2023. Collection method: clinical testing. Allele origin: germline. Not counted in ClinVar's aggregate classification.
Comment: The c.594_595insT pathogenic mutation (also known as p.T199YFS*10), located in coding exon 5 of the CDH1 gene, results from an insertion of one nucleotide at position 594, causing a translational frameshift with a predicted alternate stop codon. This alteration is expected to result in loss of function by premature protein truncation or nonsense-mediated mRNA decay. As such, this alteration is interpreted as a disease-causing mutation.

NM_004360.5(CDH1):c.594_595insT (p.Thr199fs)

Gene: CDH1 (cadherin 1; plus strand). Cytogenetic location: 16q22.1.
Variant type: Insertion.
Coding change: c.594_595insT on transcript NM_004360.5 (MANE Select); coding-DNA positions 594 to 595, T inserted.
Protein change: p.Thr199fs; shifts the reading frame from threonine 199.
Molecular consequence: frameshift variant. On other transcripts: 5 prime UTR variant (2).
Genome position: GRCh38 VCF-style: chr16-68808755-C-CT. GRCh37 (hg19) VCF-style: chr16-68842658-C-CT.
Other names: c.594_595insT (LRG_301t1); c.594_595insT, p.Thr199fs (NM_001317184.2); c.-1022_-1021insT (NM_001317185.2); c.-1226_-1225insT (NM_001317186.2); short protein forms T199fs.
Identifiers: ClinVar variation 485476 (VCV000485476.7), dbSNP rs1555515264, ClinGen allele CA658658480.
Genomic context (GRCh38, chr16:68,808,755, plus strand): 5'-CAAATCCAACAAAGACAAAGAAGGCAAGGTTTTCTACAGCATCACTGGCCAAGGAGCTGA[C>CT]ACACCCCCTGTTGGTGTCTTTATTATTGAAAGAGAAACAGGATGGCTGAAGGTGACAGAG-3'